The following is an entry in ClinVar:

ClinVar aggregate classification (germline): Likely pathogenic (1 of 4 stars; one submission).

Conditions:
Piebaldism. Also called: Piebald skin depigmentation. Identifiers: Orphanet 2884, MedGen C0080024, MONDO:0008244, OMIM 172800, HP:0007544.

Submission:

Shanghai First Maternity and Infant Hospital, Tongji University
Classification: Likely pathogenic for Piebaldism. Last evaluated: 2025-07-01. Review status: criteria provided, single submitter. Criteria: ACMG Guidelines, 2015. Collection method: clinical testing. Allele origin: germline. Affected: yes.
Comment: The variant was classified as likely pathogenic based on its predicted impact on protein function (PVS1) and absence from population databases (PM2_Supporting).

NM_000222.3(KIT):c.2736_2737insT (p.Lys913Ter)

Gene: KIT (KIT proto-oncogene, receptor tyrosine kinase; plus strand). Cytogenetic location: 4q12.
Variant type: Insertion.
Coding change: c.2736_2737insT on transcript NM_000222.3 (MANE Select); coding-DNA positions 2736 to 2737, T inserted.
Protein change: p.Lys913Ter; replaces lysine 913 with a stop codon.
Molecular consequence: nonsense.
Genome position: GRCh38 VCF-style: chr4-54737214-A-AT. GRCh37 (hg19) VCF-style: chr4-55603380-A-AT.
Other names: c.2724_2725insT, p.Lys909Ter (NM_001093772.2, NM_001385292.1); c.2739_2740insT, p.Lys914Ter (NM_001385284.1); c.2733_2734insT, p.Lys912Ter (NM_001385285.1); c.2721_2722insT, p.Lys908Ter (NM_001385286.1); c.2727_2728insT, p.Lys910Ter (NM_001385288.1); c.2736_2737insT, p.Lys913Ter (NM_001385290.1); short protein forms K908*, K909*, K910*, K912*, K913*, K914*.
Identifiers: ClinVar variation 4539831 (VCV004539831.1).
Genomic context (GRCh38, chr4:54,737,214, plus strand): 5'-TAAATGGCCCTTGTCTTGCAGGTATGACATAATGAAGACTTGCTGGGATGCAGATCCCCT[A>AT]AAAAGACCAACATTCAAGCAAATTGTTCAGCTAATTGAGAAGCAGATTTCAGAGAGCACC-3'